The following is an entry in ClinVar:

NM_001369.3(DNAH5):c.5303_5304insGATGTGTATAAGAGACAGT (p.Glu1769fs)

Gene: DNAH5 (dynein axonemal heavy chain 5; minus strand). Cytogenetic location: 5p15.2.
Variant type: Insertion.
Coding change: c.5303_5304insGATGTGTATAAGAGACAGT on transcript NM_001369.3 (MANE Select); coding-DNA positions 5303 to 5304, GATGTGTATAAGAGACAGT inserted.
Protein change: p.Glu1769fs; shifts the reading frame from glutamic acid 1769.
Molecular consequence: frameshift variant.
Genome position: GRCh38 VCF-style: chr5-13841872-T-TACTGTCTCTTATACACATC. GRCh37 (hg19) VCF-style: chr5-13841981-T-TACTGTCTCTTATACACATC.
Other names: short protein forms E1769fs.
Identifiers: ClinVar variation 5010938 (VCV005010938.1).

ClinVar aggregate classification (germline): Pathogenic (1 of 4 stars; one submission).

Conditions:
Primary ciliary dyskinesia 3. Identifiers: Orphanet 244, MedGen C1837618, MONDO:0012085, OMIM 608644.

Submission:

Myriad Genetics, Inc.
Classification: Pathogenic for Primary ciliary dyskinesia 3. Last evaluated: 2024-05-14. Review status: criteria provided, single submitter. Criteria: Myriad Autosomal Dominant, Autosomal Recessive and X-Linked Classification Criteria (2023). Collection method: clinical testing. Allele origin: unknown.
Comment: NM_001369.2(DNAH5):c.5303_5304ins19(E1769Mfs*9) is expected to be pathogenic in the context of primary ciliary dyskinesia, DNAH5-related. This variant is predicted to lead to an abnormal or absent protein product due to the creation of a premature termination codon in DNAH5, a gene where loss-of-function variants are known to be pathogenic. Please note: this variant was assessed in the context of healthy population screening.